The following is an entry in ClinVar:

ClinVar aggregate classification (germline): Conflicting classifications of pathogenicity. Review status: criteria provided, conflicting classifications (1 of 4 stars). 11 submissions from 11 submitters: Uncertain significance (8); Likely benign (2). 1 of the submissions does not count toward it. Last evaluated 2026-02-05.

Conditions:
Familial cancer of breast. Also called: BREAST CANCER, FAMILIAL; Hereditary breast cancer; hereditary breast carcinoma. Identifiers: Orphanet 227535, MedGen C0346153, MONDO:0016419, OMIM 114480. Disease mechanism: loss of function.
Breast-ovarian cancer, familial, susceptibility to, 2 (BROVCA2). Also called: BRCA2 Hereditary Breast and Ovarian Cancer. Identifiers: Orphanet 145, MedGen C2675520, MONDO:0012933, OMIM 612555. Disease mechanism: loss of function.
Hereditary cancer-predisposing syndrome. Also called: Tumor predisposition; Neoplastic Syndromes, Hereditary; Hereditary Cancer Syndrome; Hereditary neoplastic syndrome. Identifiers: Orphanet 140162, MedGen C0027672, MeSH D009386, MONDO:0015356.
Breast and/or ovarian cancer. Identifiers: MedGen CN221562.
Hereditary breast ovarian cancer syndrome. Also called: Hereditary breast and ovarian cancer; Hereditary breast and/or ovarian cancer syndrome; Hereditary breast and ovarian cancer syndrome (HBOC); Hereditary breast and ovarian cancer syndrome; Breast and ovarian cancer; BRCA1- and BRCA2-Associated Hereditary Breast and Ovarian Cancer. Identifiers: Orphanet 145, MedGen C0677776, MeSH D061325, MONDO:0003582. Disease mechanism: loss of function.

Allele frequency attached by ClinVar (database versions not stated): gnomAD exomes below 0.00001.
gnomAD v4.1: 3 of 1,614,106 alleles (0.00019%); highest among the groups gnomAD compares: East Asian, 0.0045%; no homozygotes.

Submissions (11):

Women's Health and Genetics/Laboratory Corporation of America, LabCorp
Classification: Uncertain significance. Last evaluated: 2026-02-05. Review status: criteria provided, single submitter. Criteria: LabCorp Variant Classification Summary - May 2015. Collection method: clinical testing. Allele origin: germline.
Comment: Variant summary: BRCA2 c.3540G>C (p.Lys1180Asn) results in a non-conservative amino acid change in the encoded protein sequence. Algorithms developed to predict the effect of missense changes on protein structure and function are either unavailable or do not agree on the potential impact of this missense change. The variant allele was found at a frequency of 4e-06 in 250916 control chromosomes. The available data on variant occurrences in the general population are insufficient to allow any conclusion about variant significance. c.3540G>C has been reported as a VUS in settings of multigene panel testing in individuals affected with breast and/or ovarian cancer (e.g. Chan_2018, Wu_2019, Zhang_2022, Fortuno_2024). These reports do not provide unequivocal conclusions about association of the variant with Hereditary Breast And Ovarian Cancer Syndrome. To our knowledge, no experimental evidence demonstrating an impact on protein function has been reported. The following publications have been ascertained in the context of this evaluation (PMID: 30093976, 39402389, 32101877, 35918668). ClinVar contains an entry for this variant (Variation ID: 220061). Based on the evidence outlined above, the variant was classified as uncertain significance.

Ambry Genetics
Classification: Uncertain significance for Hereditary cancer-predisposing syndrome. Last evaluated: 2025-12-17. Review status: criteria provided, single submitter. Criteria: Ambry Variant Classification Scheme 2023. Collection method: clinical testing. Allele origin: germline.
Comment: The p.K1180N variant (also known as c.3540G>C), located in coding exon 10 of the BRCA2 gene, results from a G to C substitution at nucleotide position 3540. The lysine at codon 1180 is replaced by asparagine, an amino acid with similar properties. This alteration has been reported as a variant of unknown significance in an individual with a personal history of ovarian cancer from a cohort of 1191 cancer index patients who underwent clinical evaluation and testing with multigene panels (Chan GHJ et al. Oncotarget, 2018 Jul;9:30649-30660). This amino acid position is not well conserved in available vertebrate species. In addition, this alteration is predicted to be tolerated by in silico analysis. Since supporting evidence is limited at this time, the clinical significance of this alteration remains unclear.

Labcorp Genetics (formerly Invitae), Labcorp
Classification: Uncertain significance for Hereditary breast ovarian cancer syndrome. Last evaluated: 2025-09-10. Review status: criteria provided, single submitter. Criteria: Invitae Variant Classification Sherloc (09022015). Collection method: clinical testing. Allele origin: germline.
Comment: This sequence change replaces lysine, which is basic and polar, with asparagine, which is neutral and polar, at codon 1180 of the BRCA2 protein (p.Lys1180Asn). This variant is present in population databases (no rsID available, gnomAD 0.006%). This missense change has been observed in individual(s) with ovarian and/or breast cancer (PMID: 30093976, 32101877, 35918668). ClinVar contains an entry for this variant (Variation ID: 220061). Invitae Evidence Modeling of protein sequence and biophysical properties (such as structural, functional, and spatial information, amino acid conservation, physicochemical variation, residue mobility, and thermodynamic stability) indicates that this missense variant is not expected to disrupt BRCA2 protein function with a negative predictive value of 95%. In summary, the available evidence is currently insufficient to determine the role of this variant in disease. Therefore, it has been classified as a Variant of Uncertain Significance.

Molecular Pathology, Peter Maccallum Cancer Centre
Classification: Likely benign for Breast-ovarian cancer, familial, susceptibility to, 2. Last evaluated: 2024-03-04. Review status: criteria provided, single submitter. Criteria: ACMG Guidelines, 2015. Collection method: clinical testing. Allele origin: germline. Inheritance: Autosomal dominant inheritance.

Quest Diagnostics Nichols Institute San Juan Capistrano
Classification: Uncertain significance. Last evaluated: 2023-06-18. Review status: criteria provided, single submitter. Criteria: Quest Diagnostics criteria. Collection method: clinical testing. Allele origin: unknown.
Comment: In the published literature, this variant has been reported in individuals with breast cancer (PMID: 32101877 (2019), 35918668 (2022)) and ovarian cancer (PMID: 30093976 (2018)). In a large-scale breast cancer association study, the variant was observed in an individual with breast cancer as well as in an unaffected individual (PMID: 33471991 (2021)). The frequency of this variant in the general population, 0.000004 (1/250916 chromosomes (Genome Aggregation Database)), is uninformative in the assessment of its pathogenicity. Analysis of this variant using bioinformatics tools for the prediction of the effect of amino acid changes on protein structure and function yielded predictions that this variant is benign. Based on the available information, we are unable to determine the clinical significance of this variant.

CHEO Genetics Diagnostic Laboratory, Children's Hospital of Eastern Ontario
Classification: Uncertain significance for Breast and/or ovarian cancer. Last evaluated: 2023-05-05. Review status: criteria provided, single submitter. Criteria: ACMG Guidelines, 2015. Collection method: clinical testing. Allele origin: germline.

University of Washington Department of Laboratory Medicine, University of Washington
Classification: Likely benign for Hereditary cancer-predisposing syndrome. Last evaluated: 2023-03-23. Review status: criteria provided, single submitter. Criteria: Dines et al. (Genet Med. 2020). Collection method: curation. Allele origin: germline.
Comment: Missense variant in a coldspot region where missense variants are very unlikely to be pathogenic (PMID:31911673).

BRCA2 exon 11 coldspot. Reclassification based on statistical prior probability.

GeneDx
Classification: Uncertain significance. Last evaluated: 2022-12-29. Review status: criteria provided, single submitter. Criteria: GeneDx Variant Classification Process June 2021. Collection method: clinical testing. Allele origin: germline. Affected: yes.
Comment: Observed in individuals with breast or ovarian cancer (Chan et al., 2018; Wu et al., 2019); In silico analysis supports that this missense variant has a deleterious effect on protein structure/function; Not observed at significant frequency in large population cohorts (gnomAD); Also known as 3768G>C; This variant is associated with the following publications: (PMID: 32101877, 30093976, 29884841, 32377563)

Department of Pathology and Laboratory Medicine, Sinai Health System
Classification: Uncertain significance for Familial cancer of breast; Breast-ovarian cancer, familial, susceptibility to, 2. Last evaluated: 2021-07-12. Review status: criteria provided, single submitter. Criteria: ACMG Guidelines, 2015. Collection method: clinical testing. Allele origin: germline. Affected: yes.

Color Diagnostics, LLC DBA Color Health
Classification: Uncertain significance for Hereditary cancer-predisposing syndrome. Last evaluated: 2019-04-14. Review status: criteria provided, single submitter. Criteria: ACMG Guidelines, 2015. Collection method: clinical testing. Allele origin: germline.

Center for Precision Medicine, Meizhou People's Hospital
Classification: Uncertain significance for Familial cancer of breast. Review status: no assertion criteria provided. Collection method: curation. Allele origin: germline. Affected: yes. Not counted in ClinVar's aggregate classification.

Literature cited by the submitters: PubMed 30093976 (cited by 4 submitters); PubMed 32101877 (cited by 4 submitters); PubMed 35918668 (cited by 3 submitters); PubMed 39402389 (cited by Women's Health and Genetics/Laboratory Corporation of America, LabCorp); PubMed 33471991 (cited by Quest Diagnostics Nichols Institute San Juan Capistrano); PubMed 31911673 (cited by Quest Diagnostics Nichols Institute San Juan Capistrano).

NM_000059.4(BRCA2):c.3540G>C (p.Lys1180Asn)

Gene: BRCA2 (BRCA2 DNA repair associated; plus strand). Cytogenetic location: 13q13.1.
Variant type: single nucleotide variant.
Coding change: c.3540G>C on transcript NM_000059.4 (MANE Select); coding-DNA position 3540, G replaced by C.
Protein change: p.Lys1180Asn; replaces lysine 1180 with asparagine.
Molecular consequence: missense variant.
Genome position (GRCh38, 1-based): chr13:32,337,895, G>C. VCF-style: chr13-32337895-G-C. GRCh37 (hg19) VCF-style: chr13-32912032-G-C.
Other names: short protein forms K1180N.
Identifiers: ClinVar variation 220061 (VCV000220061.30), dbSNP rs864622363, ClinGen allele CA350624.